The following is an entry in ClinVar:

NM_001374736.1(DST):c.13430C>A (p.Thr4477Asn)

Gene: DST (dystonin; minus strand). Cytogenetic location: 6p12.1.
Variant type: single nucleotide variant.
Coding change: c.13430C>A on transcript NM_001374736.1 (MANE Select); coding-DNA position 13430, C replaced by A.
Protein change: p.Thr4477Asn; replaces threonine 4477 with asparagine.
Molecular consequence: missense variant.
Genome position (GRCh38, 1-based): chr6:56,572,871, G>T on the plus strand (C>A on the coding strand, the complement: DST is on the minus strand). VCF-style: chr6-56572871-G-T. GRCh37 (hg19) VCF-style: chr6-56437669-G-T.
Other names: c.7073C>A, p.Thr2358Asn (NM_001144769.5); c.6659C>A, p.Thr2220Asn (NM_001144770.2); c.13430C>A, p.Thr4477Asn (NM_001374722.1); c.12797C>A, p.Thr4266Asn (NM_001374729.1); c.6539C>A, p.Thr2180Asn (NM_001374730.1, NM_183380.4); c.13457C>A, p.Thr4486Asn (NM_001374734.1); c.5561C>A, p.Thr1854Asn (NM_015548.5); c.7073C>A (NM_001144769.2); short protein forms T2180N, T4266N, T4477N, T1854N, T2358N, T4486N, T2220N.
Identifiers: ClinVar variation 965528 (VCV000965528.11), dbSNP rs2097797774, ClinGen allele CA364527269.

ClinVar aggregate classification (germline): Uncertain significance. Review status: criteria provided, multiple submitters, no conflicts (2 of 4 stars). 2 submissions from 2 submitters: Uncertain significance (2). Last evaluated 2022-11-21.

Conditions:
Hereditary sensory and autonomic neuropathy type 6. Also called: Neuropathy, hereditary sensory and autonomic, type VI; HSAN VI. Identifiers: Orphanet 314381, MedGen C3539003, MONDO:0013839, OMIM 614653.
Epidermolysis bullosa simplex 3, localized or generalized intermediate, with BP230 deficiency (EBS3). Also called: Epidermolysis bullosa simplex, autosomal recessive 2; Epidermolysis bullosa simplex due to BP230 deficiency. Identifiers: Orphanet 412181, MedGen C3809470, MONDO:0014180, OMIM 615425.
Inborn genetic diseases. Identifiers: MedGen C0950123, MeSH D030342.

gnomAD v4.1: 2 of 1,613,392 alleles (0.00012%); highest among the groups gnomAD compares: African/African-American, 0.0013%; no homozygotes.

Submissions (2):

Ambry Genetics
Classification: Uncertain significance for Inborn genetic diseases. Last evaluated: 2022-11-21. Review status: criteria provided, single submitter. Criteria: Ambry Variant Classification Scheme 2023. Collection method: clinical testing. Allele origin: germline.

Labcorp Genetics (formerly Invitae), Labcorp
Classification: Uncertain significance for Epidermolysis bullosa simplex 3, localized or generalized intermediate, with BP230 deficiency; Hereditary sensory and autonomic neuropathy type 6. Last evaluated: 2019-10-21. Review status: criteria provided, single submitter. Criteria: Invitae Variant Classification Sherloc (09022015). Collection method: clinical testing. Allele origin: germline.
Comment: This variant is not present in population databases (ExAC no frequency). This variant has not been reported in the literature in individuals with DST-related conditions. Algorithms developed to predict the effect of missense changes on protein structure and function are either unavailable or do not agree on the potential impact of this missense change (SIFT: "Tolerated"; PolyPhen-2: "Not Available"; Align-GVGD: "Class C0"). In summary, the available evidence is currently insufficient to determine the role of this variant in disease. Therefore, it has been classified as a Variant of Uncertain Significance. This sequence change replaces threonine with asparagine at codon 1854 of the DST protein (p.Thr1854Asn). The threonine residue is weakly conserved and there is a small physicochemical difference between threonine and asparagine. The DST gene has multiple clinically relevant transcripts. The p.Thr1854Asn variant occurs in alternate transcript NM_015548.4, which corresponds to c.*42646C>A in NM_001723.5, the primary transcript listed in the Methods.